The following is an entry in ClinVar:

ClinVar aggregate classification (germline): Uncertain significance. Review status: criteria provided, multiple submitters, no conflicts (2 of 4 stars). 5 submissions from 5 submitters: Uncertain significance (5). Last evaluated 2024-01-15.

Conditions:
Autoinflammatory syndrome. Identifiers: Orphanet 93665, MedGen C3890737, MONDO:0019751.
Inborn genetic diseases. Identifiers: MedGen C0950123, MeSH D030342.
Majeed syndrome (MJDS). Also called: LPIN2-Related Majeed Syndrome; CHRONIC RECURRENT MULTIFOCAL OSTEOMYELITIS 1, WITH CONGENITAL DYSERYTHROPOIETIC ANEMIA, WITH OR WITHOUT NEUTROPHILIC DERMATOSIS. Identifiers: Orphanet 77297, MedGen C1864997, MONDO:0012316, OMIM 609628.

Allele frequency attached by ClinVar (database versions not stated): gnomAD 0.00001; gnomAD exomes 0.00002 and 0.00005; TOPMed 0.00002; ExAC 0.00005.
gnomAD v4.1: 35 of 1,613,598 alleles (0.0022%); highest among the groups gnomAD compares: South Asian, 0.018%; no homozygotes.

Submissions (5):

Revvity Omics, Revvity
Classification: Uncertain significance for Majeed syndrome. Last evaluated: 2024-01-15. Review status: criteria provided, single submitter. Criteria: ACMG Guidelines, 2015. Collection method: clinical testing. Allele origin: germline.

Ambry Genetics
Classification: Uncertain significance for Inborn genetic diseases. Last evaluated: 2023-03-01. Review status: criteria provided, single submitter. Criteria: Ambry Variant Classification Scheme 2023. Collection method: clinical testing. Allele origin: germline.

Labcorp Genetics (formerly Invitae), Labcorp
Classification: Uncertain significance for Majeed syndrome. Last evaluated: 2022-08-16. Review status: criteria provided, single submitter. Criteria: Invitae Variant Classification Sherloc (09022015). Collection method: clinical testing. Allele origin: germline.
Comment: This sequence change replaces proline, which is neutral and non-polar, with leucine, which is neutral and non-polar, at codon 582 of the LPIN2 protein (p.Pro582Leu). This variant is present in population databases (rs755110304, gnomAD 0.03%). This variant has not been reported in the literature in individuals affected with LPIN2-related conditions. ClinVar contains an entry for this variant (Variation ID: 234517). Algorithms developed to predict the effect of missense changes on protein structure and function output the following: SIFT: "Tolerated"; PolyPhen-2: "Benign"; Align-GVGD: "Class C0". The leucine amino acid residue is found in multiple mammalian species, which suggests that this missense change does not adversely affect protein function. In summary, the available evidence is currently insufficient to determine the role of this variant in disease. Therefore, it has been classified as a Variant of Uncertain Significance.

GeneDx
Classification: Uncertain significance. Last evaluated: 2018-06-21. Review status: criteria provided, single submitter. Criteria: GeneDx Variant Classification (06012015). Collection method: clinical testing. Allele origin: germline. Affected: yes.
Comment: To our knowledge, the P582L variant has not been published as a mutation, nor has it been reported as a benign polymorphism. The P582L variant was not observed in approximately 6,500 individuals of European and African American ancestry in the NHLBI Exome Sequencing Project, indicating it is not a common benign variant in these populations. It is a semi-conservative amino acid substitution, which may impact secondary protein structure as these residues differ in some properties. This substitution occurs at a position that is not conserved and in-silico analysis predicts this variant likely does not alter the protein structure/function. Therefore, based on the currently available information, it is unclear whether this variant is a pathogenic mutation or a rare benign variant.

Genome Diagnostics Laboratory, The Hospital for Sick Children
Classification: Uncertain significance for Autoinflammatory syndrome. Last evaluated: 2018-03-01. Review status: criteria provided, single submitter. Criteria: ACMG Guidelines, 2015. Collection method: clinical testing. Allele origin: germline. Affected: yes.

NM_001375808.2(LPIN2):c.1745C>T (p.Pro582Leu)

Gene: LPIN2 (lipin 2; minus strand). Cytogenetic location: 18p11.31.
Variant type: single nucleotide variant.
Coding change: c.1745C>T on transcript NM_001375808.2 (MANE Select); coding-DNA position 1745, C replaced by T.
Protein change: p.Pro582Leu; replaces proline 582 with leucine.
Molecular consequence: missense variant.
Genome position (GRCh38, 1-based): chr18:2,926,771, G>A on the plus strand (C>T on the coding strand, the complement: LPIN2 is on the minus strand). VCF-style: chr18-2926771-G-A. GRCh37 (hg19) VCF-style: chr18-2926769-G-A.
Other names: c.1745C>T, p.Pro582Leu (NM_001375809.1, NM_014646.2); short protein forms P582L.
Identifiers: ClinVar variation 234517 (VCV000234517.15), dbSNP rs755110304, ClinGen allele CA8872976.